The following is an entry in ClinVar:

NM_019842.4(KCNQ5):c.2665G>A (p.Ala889Thr)

Gene: KCNQ5 (potassium voltage-gated channel subfamily Q member 5; plus strand). Cytogenetic location: 6q13.
Variant type: single nucleotide variant.
Coding change: c.2665G>A on transcript NM_019842.4 (MANE Select); coding-DNA position 2665, G replaced by A.
Protein change: p.Ala889Thr; replaces alanine 889 with threonine.
Molecular consequence: missense variant.
Genome position (GRCh38, 1-based): chr6:73,195,280, G>A. VCF-style: chr6-73195280-G-A. GRCh37 (hg19) VCF-style: chr6-73905003-G-A.
Other names: c.2638G>A, p.Ala880Thr (NM_001160130.2); c.2695G>A, p.Ala899Thr (NM_001160132.2); c.2722G>A, p.Ala908Thr (NM_001160133.2); c.2335G>A, p.Ala779Thr (NM_001160134.2); short protein forms A779T, A889T, A899T, A880T, A908T.
Identifiers: ClinVar variation 2612036 (VCV002612036.5), dbSNP rs750000204, ClinGen allele CA3887307.

ClinVar aggregate classification (germline): Conflicting classifications of pathogenicity. Review status: criteria provided, conflicting classifications (1 of 4 stars). 2 submissions from 2 submitters: Uncertain significance (1); Likely benign (1). Last evaluated 2023-07-14.

Conditions:
Inborn genetic diseases. Identifiers: MedGen C0950123, MeSH D030342.

Allele frequency attached by ClinVar (database versions not stated): TOPMed 0.00001.
gnomAD v4.1: 32 of 1,614,052 alleles (0.002%); highest among the groups gnomAD compares: South Asian, 0.016%; no homozygotes.

Submissions (2):

Ambry Genetics
Classification: Likely benign for Inborn genetic diseases. Last evaluated: 2023-07-14. Review status: criteria provided, single submitter. Criteria: Ambry Variant Classification Scheme 2023. Collection method: clinical testing. Allele origin: germline.

Labcorp Genetics (formerly Invitae), Labcorp
Classification: Uncertain significance. Last evaluated: 2023-02-16. Review status: criteria provided, single submitter. Criteria: Invitae Variant Classification Sherloc (09022015). Collection method: clinical testing. Allele origin: germline.
Comment: In summary, the available evidence is currently insufficient to determine the role of this variant in disease. Therefore, it has been classified as a Variant of Uncertain Significance. Advanced modeling of protein sequence and biophysical properties (such as structural, functional, and spatial information, amino acid conservation, physicochemical variation, residue mobility, and thermodynamic stability) performed at Invitae indicates that this missense variant is not expected to disrupt KCNQ5 protein function. This variant has not been reported in the literature in individuals affected with KCNQ5-related conditions. This variant is present in population databases (rs750000204, gnomAD 0.03%). This sequence change replaces alanine, which is neutral and non-polar, with threonine, which is neutral and polar, at codon 908 of the KCNQ5 protein (p.Ala908Thr).